The following is an entry in ClinVar:

ClinVar aggregate classification (germline): Conflicting classifications of pathogenicity. Review status: criteria provided, conflicting classifications (1 of 4 stars). 43 submissions from 41 submitters: Uncertain significance (1); Benign (16); Likely benign (13). 13 of the submissions do not count toward it. Last evaluated 2026-08-01.

Conditions:
Hereditary cancer-predisposing syndrome. Also called: Neoplastic Syndromes, Hereditary; Hereditary neoplastic syndrome; Hereditary Cancer Syndrome; Tumor predisposition. Identifiers: Orphanet 140162, MedGen C0027672, MeSH D009386, MONDO:0015356.
BRCA2-related cancer predisposition. Identifiers: MedGen CN377758, MONDO:0700269.
Breast and/or ovarian cancer. Identifiers: MedGen CN221562.
Hereditary breast ovarian cancer syndrome. Also called: Hereditary breast and ovarian cancer syndrome (HBOC); Breast and ovarian cancer; BRCA1- and BRCA2-Associated Hereditary Breast and Ovarian Cancer; Hereditary breast and ovarian cancer syndrome; Hereditary breast and ovarian cancer; Hereditary breast and/or ovarian cancer syndrome. Identifiers: Orphanet 145, MedGen C0677776, MeSH D061325, MONDO:0003582. Disease mechanism: loss of function.
Fanconi anemia complementation group D1. Also called: BRCA2-Related Fanconi Anemia. Identifiers: Orphanet 319462, MedGen C1838457, MONDO:0011584, OMIM 605724.
Breast-ovarian cancer, familial, susceptibility to, 2 (BROVCA2). Also called: BRCA2 Hereditary Breast and Ovarian Cancer. Identifiers: Orphanet 145, MedGen C2675520, MONDO:0012933, OMIM 612555. Disease mechanism: loss of function.

Allele frequency attached by ClinVar (database versions not stated): gnomAD 0.00151 and 0.00158; 1000 Genomes Project 0.00020; ExAC 0.00088; ESP Exome Variant Server 0.00146; 1000 Genomes Project 30x 0.00031; gnomAD exomes 0.00107 and 0.00261; TOPMed 0.00124.
gnomAD v4.1: 3,965 of 1,614,178 alleles (0.25%); highest among the groups gnomAD compares: Non-Finnish European, 0.32%; 8 homozygotes.

Submissions 1 to 20 of 43:

CeGaT Center for Human Genetics Tuebingen
Classification: Benign. Last evaluated: 2026-08-01. Review status: criteria provided, single submitter. Criteria: CeGaT Center For Human Genetics Tuebingen Variant Classification Criteria Version 2. Collection method: clinical testing. Allele origin: germline. Affected: yes. Observed: 28 variant alleles.
Comment: BRCA2: BP4, BS3:Moderate, BS1

Labcorp Genetics (formerly Invitae), Labcorp
Classification: Benign for Hereditary breast ovarian cancer syndrome. Last evaluated: 2026-02-04. Review status: criteria provided, single submitter. Criteria: Invitae Variant Classification Sherloc (09022015). Collection method: clinical testing. Allele origin: germline.

Dasa
Classification: Likely benign for Breast-ovarian cancer, familial, susceptibility to, 2. Last evaluated: 2026-01-11. Review status: criteria provided, single submitter. Criteria: DASA Assertion Criteria. Collection method: clinical testing. Allele origin: germline.
Comment: NM_000059.4(BRCA2):c.8567A>C (p.Glu2856Ala) is interpreted based on available population and clinical evidence, including population frequency and no convincing observation in affected individuals. Based on the available data, this variant is classified as likely benign.

ARUP Laboratories, Molecular Genetics and Genomics, ARUP Laboratories
Classification: Benign. Last evaluated: 2025-07-09. Review status: criteria provided, single submitter. Criteria: ARUP Molecular Germline Variant Investigation Process 2024. Collection method: clinical testing. Allele origin: germline.

Molecular Diagnostics Laboratory, Catalan Institute of Oncology
Classification: Benign for Hereditary cancer-predisposing syndrome. Last evaluated: 2025-06-02. Review status: criteria provided, single submitter. Criteria: ClinGen BRCA1BRCA2 ACMG Specifications BRCA2 V1.0.0. Collection method: clinical testing. Allele origin: germline.
Comment: BA1, BS3, BP4 c.8567A>C, located in exon 20 of the BRCA2 gene, is predicted to result in the substitution of glutamic acid by alanine at codon 2856, p.(Glu2856Ala). This variant is found in 278/128926 alleles, with a filter allele frequency of 0.18% at 95% confidence, within the European Non-Finnish population in gnomAD v2.1 (non-cancer dataset) (BA1). This is a missense variant inside a (potentially) clinically important functional domain, with no predicted impact via protein change (BayesDel_noAF score -0,227) and the SpliceAI algorithm predicts no significant impact on splicing (BP4). Reported by two calibrated studies to affect protein function similar to benign control variants (PMIDs: 29988080, 33609447) (BS3). This variant has been reported in the ClinVar database (22x benign, 14x likely benign, 2x uncertain significance), has not been reported in LOVD, and has not been revised by the expert panel in BRCA Exchange database. Based on currently available information, the variant c.8567A>C should be considered a benign variant according to ClinGen ENIGMA BRCA1 and BRCA2 Expert Panel Specifications to the ACMG/AMP Variant Interpretation Guidelines for BRCA2 Version 1.0.0.

Center for Genomic Medicine, Rigshospitalet, Copenhagen University Hospital
Classification: Benign. Last evaluated: 2025-03-04. Review status: criteria provided, single submitter. Criteria: ACMG Guidelines, 2015. Collection method: clinical testing. Allele origin: germline.

Blueprint Genetics
Classification: Likely benign. Last evaluated: 2024-11-24. Review status: criteria provided, single submitter. Criteria: ACMG Guidelines, 2015. Collection method: clinical testing. Allele origin: germline.

All of Us Research Program, National Institutes of Health
Classification: Likely benign for BRCA2-related cancer predisposition. Last evaluated: 2024-09-27. Review status: criteria provided, single submitter. Criteria: ACMG Guidelines, 2015. Collection method: clinical testing. Allele origin: germline. Inheritance: Autosomal dominant inheritance. Observed: 504 variant alleles, 503 heterozygotes, 1 homozygote.
Comment: This study involves interpretation of variants in research participants for the purpose of population health screening. Participant phenotype was not available at the time of variant classification. Additional details can be found in publication PMID: 35346344, PMCID: PMC8962531

CHEO Genetics Diagnostic Laboratory, Children's Hospital of Eastern Ontario
Classification: Likely benign for Breast and/or ovarian cancer. Last evaluated: 2023-03-08. Review status: criteria provided, single submitter. Criteria: ACMG Guidelines, 2015. Collection method: clinical testing. Allele origin: germline.

Mayo Clinic Laboratories, Mayo Clinic
Classification: Benign. Last evaluated: 2022-08-05. Review status: criteria provided, single submitter. Criteria: ACMG Guidelines, 2015. Collection method: clinical testing. Allele origin: germline. Observed: 17 variant alleles.
Comment: BS1, BS3, BP6

National Health Laboratory Service, Universitas Academic Hospital and University of the Free State
Classification: Likely benign for Hereditary breast ovarian cancer syndrome. Last evaluated: 2022-04-19. Review status: criteria provided, single submitter. Criteria: ACMG Guidelines, 2015. Collection method: clinical testing. Allele origin: germline. Affected: yes. Observed: 2 variant alleles.

Institute for Clinical Genetics, University Hospital TU Dresden, University Hospital TU Dresden
Classification: Benign. Last evaluated: 2021-11-03. Review status: criteria provided, single submitter. Criteria: ACMG Guidelines, 2015. Collection method: clinical testing. Allele origin: germline.

Genetic Services Laboratory, University of Chicago
Classification: Likely benign. Last evaluated: 2021-09-29. Review status: criteria provided, single submitter. Criteria: ACMG Guidelines, 2015. Collection method: clinical testing. Allele origin: germline. Affected: no.

Genetics and Molecular Pathology, SA Pathology
Classification: Benign for Breast-ovarian cancer, familial, susceptibility to, 2. Last evaluated: 2021-09-01. Review status: criteria provided, single submitter. Criteria: ACMG Guidelines, 2015. Collection method: clinical testing. Allele origin: germline. Inheritance: Autosomal dominant inheritance. Affected: yes.

Sema4
Classification: Benign for Hereditary cancer-predisposing syndrome. Last evaluated: 2020-10-19. Review status: criteria provided, single submitter. Criteria: Sema4 Curation Guidelines. Collection method: curation. Allele origin: germline.

Institute for Biomarker Research, Medical Diagnostic Laboratories, L.L.C.
Classification: Likely benign for Hereditary cancer-predisposing syndrome. Last evaluated: 2018-05-23. Review status: criteria provided, single submitter. Criteria: ACMG Guidelines, 2015. Collection method: clinical testing. Allele origin: germline.

Illumina Laboratory Services, Illumina
Classification: Likely benign for Fanconi anemia complementation group D1. Last evaluated: 2018-02-28. Review status: criteria provided, single submitter. Criteria: ICSL Variant Classification Criteria 13 December 2019. Collection method: clinical testing. Allele origin: germline.
Comment: This variant was observed as part of a predisposition screen in an ostensibly healthy population. A literature search was performed for the gene, cDNA change, and amino acid change (where applicable). No publications were found based on this search. Allele frequency data from public databases allowed determination this variant is unlikely to cause disease. Therefore, this variant is classified as likely benign.

Illumina Laboratory Services, Illumina
Classification: Likely benign for Breast-ovarian cancer, familial, susceptibility to, 2. Last evaluated: 2018-02-28. Review status: criteria provided, single submitter. Criteria: ICSL Variant Classification Criteria 13 December 2019. Collection method: clinical testing. Allele origin: germline.
Comment: This variant was observed as part of a predisposition screen in an ostensibly healthy population. A literature search was performed for the gene, cDNA change, and amino acid change (where applicable). Publications were found based on this search. The evidence from the literature, in combination with allele frequency data from public databases where available, was sufficient to determine this variant is unlikely to cause disease. Therefore, this variant is classified as likely benign.

PreventionGenetics, part of Exact Sciences
Classification: Likely benign. Last evaluated: 2017-08-25. Review status: criteria provided, single submitter. Criteria: ACMG Guidelines, 2015. Collection method: clinical testing. Allele origin: germline.

Cancer Genetics and Genomics Laboratory, British Columbia Cancer Agency
Classification: Benign. Last evaluated: 2017-04-19. Review status: criteria provided, single submitter. Criteria: ACMG Guidelines, 2015. Collection method: clinical testing. Allele origin: germline. Study: The Canadian Open Genetics Repository (COGR).

NM_000059.4(BRCA2):c.8567A>C (p.Glu2856Ala)

Gene: BRCA2 (BRCA2 DNA repair associated; plus strand). Cytogenetic location: 13q13.1.
Variant type: single nucleotide variant.
Coding change: c.8567A>C on transcript NM_000059.4 (MANE Select); coding-DNA position 8567, A replaced by C.
Protein change: p.Glu2856Ala; replaces glutamic acid 2856 with alanine.
Molecular consequence: missense variant.
Genome position (GRCh38, 1-based): chr13:32,371,035, A>C. VCF-style: chr13-32371035-A-C. GRCh37 (hg19) VCF-style: chr13-32945172-A-C.
Other names: p.E2856A:GAG>GCG; NP_000050.3:p.Glu2856Ala; 8795A>C; short protein forms E2856A.
Identifiers: ClinVar variation 38168 (VCV000038168.120), dbSNP rs11571747, ClinGen allele CA025712.